The following is an entry in ClinVar:

ClinVar aggregate classification (germline): Uncertain significance (1 of 4 stars; one submission).

Conditions:
Myopathy with tubular aggregates (TAM). Also called: Tubular Aggregate Myopathy. Identifiers: Orphanet 2593, MedGen C0410207, MONDO:0008051.
Stormorken syndrome (STRMK). Also called: THROMBOCYTOPATHY, ASPLENIA, AND MIOSIS. Identifiers: Orphanet 3204, MedGen C1861451, MONDO:0008497, OMIM 185070.
Combined immunodeficiency due to STIM1 deficiency. Also called: IMMUNODEFICIENCY 10; STIM1 DEFICIENCY. Identifiers: Orphanet 169090, Orphanet 317430, MedGen C2748557, MONDO:0013008, OMIM 612783.

Allele frequency attached by ClinVar (database versions not stated): gnomAD 0.00001; gnomAD exomes 0.00001; TOPMed 0.00001; ExAC 0.00002.

Submission:

Labcorp Genetics (formerly Invitae), Labcorp
Classification: Uncertain significance for Myopathy with tubular aggregates; Combined immunodeficiency due to STIM1 deficiency; Stormorken syndrome. Last evaluated: 2025-01-16. Review status: criteria provided, single submitter. Criteria: Invitae Variant Classification Sherloc (09022015). Collection method: clinical testing. Allele origin: germline.
Comment: This sequence change replaces valine, which is neutral and non-polar, with methionine, which is neutral and non-polar, at codon 477 of the STIM1 protein (p.Val477Met). This variant is present in population databases (rs199963821, gnomAD 0.01%). This variant has not been reported in the literature in individuals affected with STIM1-related conditions. ClinVar contains an entry for this variant (Variation ID: 960497). Invitae Evidence Modeling of protein sequence and biophysical properties (such as structural, functional, and spatial information, amino acid conservation, physicochemical variation, residue mobility, and thermodynamic stability) indicates that this missense variant is not expected to disrupt STIM1 protein function with a negative predictive value of 95%. In summary, the available evidence is currently insufficient to determine the role of this variant in disease. Therefore, it has been classified as a Variant of Uncertain Significance.

NM_001382567.1(STIM1):c.1429G>A (p.Val477Met)

Gene: STIM1 (stromal interaction molecule 1; plus strand). Cytogenetic location: 11p15.4.
Variant type: single nucleotide variant.
Coding change: c.1429G>A on transcript NM_001382567.1 (MANE Select); coding-DNA position 1429, G replaced by A.
Protein change: p.Val477Met; replaces valine 477 with methionine.
Molecular consequence: missense variant. On other transcripts: non-coding transcript variant (2).
Genome position (GRCh38, 1-based): chr11:4,083,453, G>A. VCF-style: chr11-4083453-G-A. GRCh37 (hg19) VCF-style: chr11-4104683-G-A.
Other names: c.1429G>A, p.Val477Met (NM_001277961.3, NM_001277962.2, NM_003156.4); c.1207G>A, p.Val403Met (NM_001382566.1, NM_001382573.1, NM_001382575.1 and 4 more transcripts); c.1450G>A, p.Val484Met (NM_001382568.1); c.1294G>A, p.Val432Met (NM_001382569.1); c.1201G>A, p.Val401Met (NM_001382570.1); c.949G>A, p.Val317Met (NM_001382571.1); c.940G>A, p.Val314Met (NM_001382580.1, NM_001382581.1); short protein forms V314M, V477M, V484M, V317M, V401M, V403M, V432M.
Identifiers: ClinVar variation 960497 (VCV000960497.8), dbSNP rs199963821, ClinGen allele CA5830466.